The following is an entry in ClinVar:

NM_001009944.3(PKD1):c.12004-6C>T

Gene: PKD1 (polycystin 1, transient receptor potential channel interacting; minus strand). Cytogenetic location: 16p13.3.
Variant type: single nucleotide variant.
Coding change: c.12004-6C>T on transcript NM_001009944.3 (MANE Select); 6 bases into the intron before coding-DNA position 12004, C replaced by T.
Molecular consequence: intron variant.
Genome position (GRCh38, 1-based): chr16:2,090,814, G>A on the plus strand (C>T on the coding strand, the complement: PKD1 is on the minus strand). VCF-style: chr16-2090814-G-A. GRCh37 (hg19) VCF-style: chr16-2140815-G-A.
Other names: c.12001-6C>T (NM_000296.4).
Identifiers: ClinVar variation 4977036 (VCV004977036.1).

ClinVar aggregate classification (germline): Likely benign (1 of 4 stars; one submission).

Conditions:
PKD1-related disorder. Also called: PKD1-related condition.

gnomAD v4.1: 52 of 1,612,122 alleles (0.0032%); highest among the groups gnomAD compares: Middle Eastern, 0.016%; no homozygotes.

Submission:

PreventionGenetics, part of Exact Sciences
Classification: Likely benign for PKD1-related condition. Last evaluated: 2026-08-20. Review status: criteria provided, single submitter. Criteria: ACMG Guidelines, 2015. Collection method: clinical testing. Allele origin: germline.
Comment: This variant is classified as likely benign based on ACMG/AMP sequence variant interpretation guidelines (Richards et al. 2015 PMID: 25741868, with internal and published modifications).